The following is an entry in ClinVar:

ClinVar aggregate classification (germline): Uncertain significance (1 of 4 stars; one submission).

Conditions:
Hyperkalemic periodic paralysis. Also called: Familial hyperkalemic periodic paralysis; Gamstorp disease. Identifiers: Orphanet 682, MedGen C0238357, MONDO:0008224, OMIM 170500, HP:0007215.

Submission:

Labcorp Genetics (formerly Invitae), Labcorp
Classification: Uncertain significance for Hyperkalemic periodic paralysis. Last evaluated: 2024-07-23. Review status: criteria provided, single submitter. Criteria: Invitae Variant Classification Sherloc (09022015). Collection method: clinical testing. Allele origin: germline.
Comment: This sequence change replaces glutamine, which is neutral and polar, with histidine, which is basic and polar, at codon 245 of the SCN4A protein (p.Gln245His). This variant is not present in population databases (gnomAD no frequency). This variant has not been reported in the literature in individuals affected with SCN4A-related conditions. Advanced modeling of protein sequence and biophysical properties (such as structural, functional, and spatial information, amino acid conservation, physicochemical variation, residue mobility, and thermodynamic stability) performed at Invitae indicates that this missense variant is not expected to disrupt SCN4A protein function with a negative predictive value of 80%. In summary, the available evidence is currently insufficient to determine the role of this variant in disease. Therefore, it has been classified as a Variant of Uncertain Significance.

NM_000334.4(SCN4A):c.735G>T (p.Gln245His)

Gene: SCN4A (sodium voltage-gated channel alpha subunit 4; minus strand). Cytogenetic location: 17q23.3.
Variant type: single nucleotide variant.
Coding change: c.735G>T on transcript NM_000334.4 (MANE Select); coding-DNA position 735, G replaced by T.
Protein change: p.Gln245His; replaces glutamine 245 with histidine.
Molecular consequence: missense variant.
Genome position (GRCh38, 1-based): chr17:63,968,324, C>A on the plus strand (G>T on the coding strand, the complement: SCN4A is on the minus strand). VCF-style: chr17-63968324-C-A. GRCh37 (hg19) VCF-style: chr17-62045684-C-A.
Other names: short protein forms Q245H.
Identifiers: ClinVar variation 3680022 (VCV003680022.2).